The following is an entry in ClinVar:

ClinVar aggregate classification (germline): Conflicting classifications of pathogenicity. Review status: criteria provided, conflicting classifications (1 of 4 stars). 14 submissions from 14 submitters: Uncertain significance (6); Likely benign (6). 2 of the submissions do not count toward it. Last evaluated 2026-03-03.

Conditions:
ATM-related disorder. Also called: ATM-related disorders; ATM-related condition.
Hereditary cancer-predisposing syndrome. Also called: Neoplastic Syndromes, Hereditary; Tumor predisposition; Hereditary neoplastic syndrome; Hereditary Cancer Syndrome. Identifiers: Orphanet 140162, MedGen C0027672, MeSH D009386, MONDO:0015356.
Familial cancer of breast. Also called: Hereditary breast cancer; BREAST CANCER, FAMILIAL; hereditary breast carcinoma. Identifiers: Orphanet 227535, MedGen C0346153, MONDO:0016419, OMIM 114480. Disease mechanism: loss of function.
Ataxia-telangiectasia syndrome (AT). Also called: Cerebello-oculocutaneous telangiectasia; Immunodeficiency with ataxia telangiectasia; AT, COMPLEMENTATION GROUP C; LOUIS-BAR SYNDROME; Ataxia-telangiectasia, complementation group E; ATAXIA-TELANGIECTASIA, COMPLEMENTATION GROUP A. Identifiers: Orphanet 100, MedGen C0004135, MONDO:0008840, OMIM 208900.

Allele frequency attached by ClinVar (database versions not stated): TOPMed 0.00002; gnomAD 0.00004 and 0.00009; gnomAD exomes 0.00006 and 0.00013; ExAC 0.00013; 1000 Genomes Project 30x 0.00094; 1000 Genomes Project 0.00100.
gnomAD v4.1: 102 of 1,613,956 alleles (0.0063%); highest among the groups gnomAD compares: South Asian, 0.052%; no homozygotes.

Submissions (14):

PreventionGenetics, part of Exact Sciences
Classification: Likely benign for ATM-related condition. Last evaluated: 2026-03-03. Review status: criteria provided, single submitter. Criteria: ACMG Guidelines, 2015. Collection method: clinical testing. Allele origin: germline.
Comment: This variant is classified as likely benign based on ACMG/AMP sequence variant interpretation guidelines (Richards et al. 2015 PMID: 25741868, with internal and published modifications).

Labcorp Genetics (formerly Invitae), Labcorp
Classification: Likely benign for Ataxia-telangiectasia syndrome. Last evaluated: 2026-02-01. Review status: criteria provided, single submitter. Criteria: Invitae Variant Classification Sherloc (09022015). Collection method: clinical testing. Allele origin: germline.

Women's Health and Genetics/Laboratory Corporation of America, LabCorp
Classification: Likely benign. Last evaluated: 2025-03-24. Review status: criteria provided, single submitter. Criteria: LabCorp Variant Classification Summary - May 2015. Collection method: clinical testing. Allele origin: germline.
Comment: Variant summary: ATM c.1351C>T (p.Arg451Cys) results in a non-conservative amino acid change in the encoded protein sequence. Four of five in-silico tools predict a damaging effect of the variant on protein function. The variant allele was found at a frequency of 0.00013 in 251354 control chromosomes, predominantly at a frequency of 0.00082 within the South Asian subpopulation in the gnomAD database. c.1351C>T has been reported in the literature in individuals affected with breast cancer, prostate cancer, or biliary tract cancer, as well as unaffected controls (e.g. Momozawa_2018, Chan_2018, Karlsson_2021, Okawa_2023). These reports do not provide unequivocal conclusions about association of the variant with Breast Cancer. To our knowledge, no experimental evidence demonstrating an impact on protein function has been reported. The following publications have been ascertained in the context of this evaluation (PMID: 30287823, 30093976, 33436325, 36243179). ClinVar contains an entry for this variant (Variation ID: 185437). Based on the evidence outlined above, the variant was classified as likely benign.

Quest Diagnostics Nichols Institute San Juan Capistrano
Classification: Uncertain significance. Last evaluated: 2025-01-16. Review status: criteria provided, single submitter. Criteria: Quest Diagnostics criteria. Collection method: clinical testing. Allele origin: unknown.

GeneDx
Classification: Uncertain significance. Last evaluated: 2024-12-17. Review status: criteria provided, single submitter. Criteria: GeneDx Variant Classification Process June 2021. Collection method: clinical testing. Allele origin: germline. Affected: yes.
Comment: In silico analysis supports that this missense variant has a deleterious effect on protein structure/function; This variant is associated with the following publications: (PMID: 24356096, 26689913, 28652578, 30287823, 31719806, 27104957, 33436325, 26911350, 30093976, 31742824, 28779002, 32973888, 36627197, 36243179, 33471991)

Athena Diagnostics
Classification: Uncertain significance. Last evaluated: 2024-07-11. Review status: criteria provided, single submitter. Criteria: Athena Diagnostics Criteria. Collection method: clinical testing. Allele origin: unknown.

Myriad Genetics, Inc.
Classification: Likely benign for Familial cancer of breast. Last evaluated: 2024-04-26. Review status: criteria provided, single submitter. Criteria: Myriad Autosomal Dominant, Autosomal Recessive and X-Linked Classification Criteria (2023). Collection method: clinical testing. Allele origin: unknown.
Comment: This variant is considered likely benign. This variant is strongly associated with less severe personal and family histories of cancer, typical for individuals without pathogenic variants in this gene [PMID: 25085752].

Fulgent Genetics
Classification: Uncertain significance for Familial cancer of breast; Ataxia-telangiectasia syndrome. Last evaluated: 2024-01-19. Review status: criteria provided, single submitter. Criteria: ACMG Guidelines, 2015. Collection method: clinical testing. Allele origin: germline.

Blueprint Genetics
Classification: Uncertain significance. Last evaluated: 2023-12-20. Review status: criteria provided, single submitter. Criteria: ACMG Guidelines, 2015. Collection method: clinical testing. Allele origin: germline.

Sema4
Classification: Uncertain significance for Hereditary cancer-predisposing syndrome. Last evaluated: 2021-11-16. Review status: criteria provided, single submitter. Criteria: Sema4 Curation Guidelines. Collection method: curation. Allele origin: germline.
Comment: The ATM c.1351C>T (p.R451C) variant has been reported in heterozygosity in at least 7 individuals with breast, prostate cancer and Lynch-like syndrome (LLS) (PMID: 26689913, 30093976, 33436325, 31719806, 32984025, 33436325) and it has also been identified in healthy controls (PMID: 30287823, 33471991, 28652578). It was observed in 25/30616 chromosomes of the South Asian (SAS) population, with no homozygotes, in the large and broad cohorts of the Genome Aggregation Database (PMID: 32461654). This variant has been reported in ClinVar (Variation ID: 185437). Functional studies have not been performed, and in silico predictions of the variant's effect on protein function are inconclusive. The evidence is insufficient to meet ACMG/AMP criteria for classifying the variant as benign or pathogenic. Thus, the clinical significance of this variant is currently uncertain.

Ambry Genetics
Classification: Likely benign for Hereditary cancer-predisposing syndrome. Last evaluated: 2021-03-29. Review status: criteria provided, single submitter. Criteria: Ambry Variant Classification Scheme 2023. Collection method: clinical testing. Allele origin: germline.

Color Diagnostics, LLC DBA Color Health
Classification: Likely benign for Hereditary cancer-predisposing syndrome. Last evaluated: 2020-08-27. Review status: criteria provided, single submitter. Criteria: ACMG Guidelines, 2015. Collection method: clinical testing. Allele origin: germline.

Counsyl
Classification: Uncertain significance for Ataxia-telangiectasia syndrome. Last evaluated: 2016-12-21. Review status: no assertion criteria provided. Collection method: clinical testing. Allele origin: unknown. Not counted in ClinVar's aggregate classification.

Department of Pathology and Laboratory Medicine, Sinai Health System
Classification: Uncertain significance. Review status: no assertion criteria provided. Collection method: clinical testing. Allele origin: unknown. Affected: yes. Observed: 1 variant allele. Study: The Canadian Open Genetics Repository (COGR). Not counted in ClinVar's aggregate classification.
Comment: The ATM p.Arg451Cys variant was not identified in the literature nor was it identified in the GeneInsight-COGR, MutDB, LOVD 3.0, ATM-LOVD, databases. The variant was identified in the following databases: dbSNP (ID: rs201719927) as With Uncertain significance allele, ClinVar (classified as uncertain significance by Ambry Genetics, Invitae, GeneDx), Cosmic (classified as Pathogenic (score 0.96)). The variant was identified in control databases in 30 of 246126 chromosomes at a frequency of 0.000122 increasing the likelihood this could be a low frequency variant (Genome Aggregation Consortium Feb 27, 2017). The p.Arg451 residue is conserved in mammals but not in more distantly related organisms, and computational analyses (PolyPhen-2, SIFT, AlignGVGD, BLOSUM, MutationTaster) suggest that the variant may impact the protein; however, this information is not predictive enough to assume pathogenicity. The variant occurs outside of the splicing consensus sequence and 1 of 5 in silico or computational prediction software programs (SpliceSiteFinder, MaxEntScan, NNSPLICE, GeneSplicer, HumanSpliceFinder) predict a greater than 10% difference in splicing; this is not very predictive of pathogenicity. In summary, based on the above information, the clinical significance of this variant cannot be determined with certainty at this time. This variant is classified as a variant of uncertain significance.

Literature cited by the submitters: PubMed 30093976 (cited by 4 submitters); PubMed 30287823 (cited by 4 submitters); PubMed 33436325 (cited by 3 submitters); PubMed 36243179 (cited by Women's Health and Genetics/Laboratory Corporation of America, LabCorp); PubMed 31719806 (cited by 3 submitters); PubMed 36627197 (cited by Athena Diagnostics); PubMed 28779002 (cited by Athena Diagnostics and Ambry Genetics); PubMed 31742824 (cited by Athena Diagnostics and Ambry Genetics); PubMed 32885271 (cited by Athena Diagnostics); PubMed 30104763 (cited by Athena Diagnostics); PubMed 26689913 (cited by 3 submitters); PubMed 26911350 (cited by Athena Diagnostics); PubMed 33471991 (cited by Athena Diagnostics and Sema4); PubMed 25085752 (cited by Myriad Genetics, Inc.); PubMed 32984025 (cited by Sema4); PubMed 28652578 (cited by Sema4); PubMed 32973888 (cited by Ambry Genetics).

NM_000051.4(ATM):c.1351C>T (p.Arg451Cys)

Gene: ATM (ATM serine/threonine kinase; plus strand). Cytogenetic location: 11q22.3.
Variant type: single nucleotide variant.
Coding change: c.1351C>T on transcript NM_000051.4 (MANE Select); coding-DNA position 1351, C replaced by T.
Protein change: p.Arg451Cys; replaces arginine 451 with cysteine.
Molecular consequence: missense variant.
Genome position (GRCh38, 1-based): chr11:108,250,816, C>T. VCF-style: chr11-108250816-C-T. GRCh37 (hg19) VCF-style: chr11-108121543-C-T.
Other names: c.1351C>T, p.Arg451Cys (NM_001351834.2); short protein forms R451C.
Identifiers: ClinVar variation 185437 (VCV000185437.36), dbSNP rs201719927, ClinGen allele CA191951.